The following is an entry in ClinVar:

ClinVar aggregate classification (germline): Uncertain significance (1 of 4 stars; one submission).

Conditions:
Gnathodiaphyseal dysplasia (GDD). Also called: GNATHODIAPHYSEAL SCLEROSIS; OSTEOGENESIS IMPERFECTA WITH UNUSUAL SKELETAL LESIONS. Identifiers: Orphanet 53697, MedGen C1833736, MONDO:0008151, OMIM 166260.
Autosomal recessive limb-girdle muscular dystrophy type 2L (LGMDR12). Also called: MUSCULAR DYSTROPHY, LIMB-GIRDLE, AUTOSOMAL RECESSIVE 12; Limb-girdle muscular dystrophy, type 2L; Limb-Girdle Muscular Dystrophy R12 Anoctamin-5-Related (LGMD-R12). Identifiers: Orphanet 206549, MedGen C1969785, MONDO:0012652, OMIM 611307.

Allele frequency attached by ClinVar (database versions not stated): ExAC 0.00001.
gnomAD v4.1: 4 of 1,614,040 alleles (0.00025%); highest among the groups gnomAD compares: Admixed American, 0.0067%; no homozygotes.

Submission:

Labcorp Genetics (formerly Invitae), Labcorp
Classification: Uncertain significance for Autosomal recessive limb-girdle muscular dystrophy type 2L; Gnathodiaphyseal dysplasia. Last evaluated: 2024-11-14. Review status: criteria provided, single submitter. Criteria: Invitae Variant Classification Sherloc (09022015). Collection method: clinical testing. Allele origin: germline.
Comment: This sequence change replaces methionine, which is neutral and non-polar, with isoleucine, which is neutral and non-polar, at codon 350 of the ANO5 protein (p.Met350Ile). This variant is present in population databases (rs373859984, gnomAD 0.01%). This variant has not been reported in the literature in individuals affected with ANO5-related conditions. ClinVar contains an entry for this variant (Variation ID: 2951192). Invitae Evidence Modeling of protein sequence and biophysical properties (such as structural, functional, and spatial information, amino acid conservation, physicochemical variation, residue mobility, and thermodynamic stability) indicates that this missense variant is not expected to disrupt ANO5 protein function with a negative predictive value of 95%. In summary, the available evidence is currently insufficient to determine the role of this variant in disease. Therefore, it has been classified as a Variant of Uncertain Significance.

NM_213599.3(ANO5):c.1050G>T (p.Met350Ile)

Gene: ANO5 (anoctamin 5; plus strand). Cytogenetic location: 11p14.3.
Variant type: single nucleotide variant.
Coding change: c.1050G>T on transcript NM_213599.3 (MANE Select); coding-DNA position 1050, G replaced by T.
Protein change: p.Met350Ile; replaces methionine 350 with isoleucine.
Molecular consequence: missense variant.
Genome position (GRCh38, 1-based): chr11:22,250,777, G>T. VCF-style: chr11-22250777-G-T. GRCh37 (hg19) VCF-style: chr11-22272323-G-T.
Other names: c.1047G>T, p.Met349Ile (NM_001142649.2); c.1008G>T, p.Met336Ile (NM_001410963.1); c.1005G>T, p.Met335Ile (NM_001410964.1); short protein forms M335I, M336I, M350I, M349I.
Identifiers: ClinVar variation 2951192 (VCV002951192.3), dbSNP rs373859984, ClinGen allele CA5923121.
Genomic context (GRCh38, chr11:22,250,777, plus strand): 5'-ATAACTTTGCTGTTCCTCTTGCAGCACTGAAATCTGTGACCCTGAGATTGGTGGTCAGAT[G>T]ATCATGTGCCCACTCTGTGATCAAGTGTGTGATTATTGGAGACTAAATAGTACGTGTTTG-3'
Protein context (NP_998764.1, residues 340-360): EICDPEIGGQ[Met350Ile]IMCPLCDQVC